The following is an entry in ClinVar:

NM_001029.5(RPS26):c.103del (p.Ala35fs)

Gene: RPS26 (ribosomal protein S26; plus strand). Cytogenetic location: 12q13.2.
Variant type: Deletion.
Coding change: c.103del on transcript NM_001029.5 (MANE Select); coding-DNA position 103, one base deleted (G; older notation c.103delG).
Protein change: p.Ala35fs; shifts the reading frame from alanine 35.
Molecular consequence: frameshift variant.
Genome position (GRCh38, 1-based): chr12:56,042,524, G deleted; the last of 2 consecutive G bases (chr12:56,042,523-56,042,524); deleting either gives the same sequence. VCF-style (leftmost placement, unchanged base first): chr12-56042522-AG-A. GRCh37 (hg19) VCF-style: chr12-56436306-AG-A.
Other names: short protein forms A35fs.
Identifiers: ClinVar variation 3721946 (VCV003721946.2).

ClinVar aggregate classification (germline): Pathogenic (1 of 4 stars; one submission).

Conditions:
Diamond-Blackfan anemia 10 (DBA10). Also called: RPS26-Related Diamond-Blackfan Anemia. Identifiers: Orphanet 124, MedGen C2750080, MONDO:0013217, OMIM 613309.

Submission:

Labcorp Genetics (formerly Invitae), Labcorp
Classification: Pathogenic for Diamond-Blackfan anemia 10. Last evaluated: 2024-09-30. Review status: criteria provided, single submitter. Criteria: Invitae Variant Classification Sherloc (09022015). Collection method: clinical testing. Allele origin: germline.
Comment: This sequence change creates a premature translational stop signal (p.Ala35Profs*10) in the RPS26 gene. It is expected to result in an absent or disrupted protein product. Loss-of-function variants in RPS26 are known to be pathogenic (PMID: 20116044, 23718193). This variant is not present in population databases (gnomAD no frequency). This variant has not been reported in the literature in individuals affected with RPS26-related conditions. For these reasons, this variant has been classified as Pathogenic.

Literature cited by the submitters: PubMed 20116044; PubMed 23718193.